The following is an entry in ClinVar:

ClinVar aggregate classification (germline): Likely benign. Review status: criteria provided, multiple submitters, no conflicts (2 of 4 stars). 2 submissions from 2 submitters: Likely benign (2). Last evaluated 2024-11-07.

Conditions:
Renal cell carcinoma. Identifiers: Orphanet 217071, MedGen C0007134, MeSH D002292, MONDO:0005086, HP:0005584.
Papillary renal cell carcinoma type 1 (RCCP1). Also called: Renal adenocarcinoma; Renal cell carcinoma 1; Renal cell carcinoma, somatic; RENAL CELL CARCINOMA, PAPILLARY, 1, SOMATIC. Identifiers: Orphanet 47044, MedGen C1336839, OMIM 605074, HP:0011797.

Submissions (2):

Myriad Genetics, Inc.
Classification: Likely benign for Papillary renal cell carcinoma type 1. Last evaluated: 2024-11-07. Review status: criteria provided, single submitter. Criteria: Myriad Autosomal Dominant, Autosomal Recessive and X-Linked Classification Criteria (2023). Collection method: clinical testing. Allele origin: unknown.
Comment: This variant is considered likely benign. This variant is intronic and is not expected to impact mRNA splicing.

Labcorp Genetics (formerly Invitae), Labcorp
Classification: Likely benign for Renal cell carcinoma. Last evaluated: 2023-12-08. Review status: criteria provided, single submitter. Criteria: Invitae Variant Classification Sherloc (09022015). Collection method: clinical testing. Allele origin: germline.

NM_000245.4(MET):c.1393-12T>C

Gene: MET (MET proto-oncogene, receptor tyrosine kinase; plus strand). Cytogenetic location: 7q31.2.
Variant type: single nucleotide variant.
Coding change: c.1393-12T>C on transcript NM_000245.4 (MANE Select); 12 bases into the intron before coding-DNA position 1393, T replaced by C.
Molecular consequence: intron variant.
Genome position (GRCh38, 1-based): chr7:116,739,938, T>C. VCF-style: chr7-116739938-T-C. GRCh37 (hg19) VCF-style: chr7-116379992-T-C.
Other names: c.1393-12T>C (NM_001127500.3, NM_001324401.3); c.103-12T>C (NM_001324402.2).
Identifiers: ClinVar variation 2762338 (VCV002762338.4), dbSNP rs2485637379, ClinGen allele CA2697557590.